The following is an entry in ClinVar:

NM_017739.4(POMGNT1):c.1142A>C (p.Asn381Thr)

Genes: POMGNT1 (protein O-linked mannose N-acetylglucosaminyltransferase 1 (beta 1,2-); minus strand), TSPAN1 (tetraspanin 1; plus strand). Cytogenetic location: 1p34.1.
Variant type: single nucleotide variant.
Coding change: c.1142A>C on transcript NM_017739.4 (MANE Select); coding-DNA position 1142, A replaced by C.
Protein change: p.Asn381Thr; replaces asparagine 381 with threonine.
Molecular consequence: missense variant.
Genome position (GRCh38, 1-based): chr1:46,193,184, T>G on the plus strand (A>C on the coding strand, the complement: POMGNT1 is on the minus strand). VCF-style: chr1-46193184-T-G. GRCh37 (hg19) VCF-style: chr1-46658856-T-G.
Other names: c.1142A>C, p.Asn381Thr (NM_001243766.2, NM_001410783.1); c.1076A>C, p.Asn359Thr (NM_001290129.3); c.713A>C, p.Asn238Thr (NM_001290130.2); short protein forms N238T, N381T, N359T.
Identifiers: ClinVar variation 1365313 (VCV001365313.10), dbSNP rs140846775, ClinGen allele CA340179402.

ClinVar aggregate classification (germline): Uncertain significance (1 of 4 stars; one submission).

Conditions:
Autosomal recessive limb-girdle muscular dystrophy type 2O. Also called: Limb-Girdle Muscular Dystrophy Type 3C; MUSCULAR DYSTROPHY-DYSTROGLYCANOPATHY (LIMB-GIRDLE), TYPE C, 3; MUSCULAR DYSTROPHY-DYSTROGLYCANOPATHY, LIMB-GIRDLE, POMGNT1-RELATED. Identifiers: Orphanet 206564, MedGen C3150417, MONDO:0013161, OMIM 613157.
Muscular dystrophy-dystroglycanopathy (congenital with impaired intellectual development), type B, 3. Also called: MUSCULAR DYSTROPHY, CONGENITAL, POMGNT1-RELATED; Muscular dystrophy-dystroglycanopathy (congenital with intellectual disability), type B3. Identifiers: MedGen C3150412, MONDO:0013155, OMIM 613151.

gnomAD v4.1: 23 of 1,614,072 alleles (0.0014%); highest among the groups gnomAD compares: Non-Finnish European, 0.0019%; no homozygotes.

Submission:

Labcorp Genetics (formerly Invitae), Labcorp
Classification: Uncertain significance for Autosomal recessive limb-girdle muscular dystrophy type 2O; Muscular dystrophy-dystroglycanopathy (congenital with impaired intellectual development), type B, 3. Last evaluated: 2024-10-26. Review status: criteria provided, single submitter. Criteria: Invitae Variant Classification Sherloc (09022015). Collection method: clinical testing. Allele origin: germline.
Comment: This sequence change replaces asparagine, which is neutral and polar, with threonine, which is neutral and polar, at codon 381 of the POMGNT1 protein (p.Asn381Thr). This variant is present in population databases (no rsID available, gnomAD 0.007%). This variant has not been reported in the literature in individuals affected with POMGNT1-related conditions. ClinVar contains an entry for this variant (Variation ID: 1365313). Invitae Evidence Modeling of protein sequence and biophysical properties (such as structural, functional, and spatial information, amino acid conservation, physicochemical variation, residue mobility, and thermodynamic stability) indicates that this missense variant is not expected to disrupt POMGNT1 protein function with a negative predictive value of 95%. In summary, the available evidence is currently insufficient to determine the role of this variant in disease. Therefore, it has been classified as a Variant of Uncertain Significance.